The following is an entry in ClinVar:

ClinVar aggregate classification (germline): Uncertain significance (1 of 4 stars; one submission).

Submission:

Labcorp Genetics (formerly Invitae), Labcorp
Classification: Uncertain significance. Last evaluated: 2022-10-24. Review status: criteria provided, single submitter. Criteria: Invitae Variant Classification Sherloc (09022015). Collection method: clinical testing. Allele origin: germline.
Comment: In summary, the available evidence is currently insufficient to determine the role of this variant in disease. Therefore, it has been classified as a Variant of Uncertain Significance. Algorithms developed to predict the effect of missense changes on protein structure and function are either unavailable or do not agree on the potential impact of this missense change (SIFT: "Not Available"; PolyPhen-2: "Benign"; Align-GVGD: "Not Available"). ClinVar contains an entry for this variant (Variation ID: 1373513). This variant has not been reported in the literature in individuals affected with GTPBP2-related conditions. Information on the frequency of this variant in the gnomAD database is not available, as this variant may be reported differently in the database. This sequence change replaces glycine with glutamic acid at codon 31 of the GTPBP2 protein (p.Gly31Glu). The glycine residue is moderately conserved and there is a moderate physicochemical difference between glycine and glutamic acid.

NM_019096.5(GTPBP2):c.92_93delinsAA (p.Gly31Glu)

Gene: GTPBP2 (GTP binding protein 2; minus strand). Cytogenetic location: 6p21.1.
Variant type: Indel.
Coding change: c.92_93delinsAA on transcript NM_019096.5 (MANE Select); coding-DNA positions 92 to 93, GC replaced by AA.
Protein change: p.Gly31Glu; replaces glycine 31 with glutamic acid.
Molecular consequence: missense variant.
Genome position (GRCh38, 1-based): chr6:43,629,070-43,629,071, GC replaced by TT on the plus strand (GC replaced by AA on the coding strand, the reverse complement: GTPBP2 is on the minus strand). VCF-style: chr6-43629070-GC-TT. GRCh37 (hg19) VCF-style: chr6-43596807-GC-TT.
Other names: short protein forms G31E.
Identifiers: ClinVar variation 1373513 (VCV001373513.7), dbSNP rs2127849622, ClinGen allele CA2573140890.